The following is an entry in ClinVar:

ClinVar aggregate classification (germline): Uncertain significance (1 of 4 stars; one submission).

Conditions:
Inborn genetic diseases. Identifiers: MedGen C0950123, MeSH D030342.

Submission:

Ambry Genetics
Classification: Uncertain significance for Inborn genetic diseases. Last evaluated: 2025-08-02. Review status: criteria provided, single submitter. Criteria: Ambry Variant Classification Scheme 2023. Collection method: clinical testing. Allele origin: germline.
Comment: The p.R242W variant (also known as c.724A>T), located in coding exon 4 of the ERCC6L2 gene, results from an A to T substitution at nucleotide position 724. The arginine at codon 242 is replaced by tryptophan, an amino acid with dissimilar properties. This amino acid position is conserved. In addition, the in silico prediction for this alteration is inconclusive. Based on the available evidence, the clinical significance of this variant remains unclear.

NM_020207.7(ERCC6L2):c.724A>T (p.Arg242Trp)

Gene: ERCC6L2 (ERCC excision repair 6 like 2; plus strand). Cytogenetic location: 9q22.32.
Variant type: single nucleotide variant.
Coding change: c.724A>T on transcript NM_020207.7 (MANE Select); coding-DNA position 724, A replaced by T.
Protein change: p.Arg242Trp; replaces arginine 242 with tryptophan.
Molecular consequence: missense variant. On other transcripts: non-coding transcript variant (1).
Genome position (GRCh38, 1-based): chr9:95,907,207, A>T. VCF-style: chr9-95907207-A-T. GRCh37 (hg19) VCF-style: chr9-98669489-A-T.
Other names: c.724A>T, p.Arg242Trp (NM_001010895.4, NM_001375291.1, NM_001375292.1 and 2 more transcripts); short protein forms R242W.
Identifiers: ClinVar variation 4250608 (VCV004250608.1).
Genomic context (GRCh38, chr9:95,907,207, plus strand): 5'-TTCAGAGTCACTGTTTTACATGGAAACAGAAAAGATAATGAATTAATTCGTGTAAAGCAG[A>T]GGAAATGTGAAATTGCTCTAACAACTTATGAAACACTACGCTTATGCCTGGATGAACTTA-3'
Protein context (NP_064592.3, residues 232-252): KDNELIRVKQ[Arg242Trp]KCEIALTTYE